The following is an entry in ClinVar:

NM_001281740.3(FHOD3):c.719-3T>C

Gene: FHOD3 (formin homology 2 domain containing 3; plus strand). Cytogenetic location: 18q12.2.
Variant type: single nucleotide variant.
Coding change: c.719-3T>C on transcript NM_001281740.3 (MANE Select); 3 bases into the intron before coding-DNA position 719, T replaced by C.
Molecular consequence: intron variant.
Genome position (GRCh38, 1-based): chr18:36,602,671, T>C. VCF-style: chr18-36602671-T-C. GRCh37 (hg19) VCF-style: chr18-34182634-T-C.
Other names: c.719-3T>C (NM_025135.5, NM_001281739.3).
Identifiers: ClinVar variation 4534848 (VCV004534848.6).
Genomic context (GRCh38, chr18:36,602,671, plus strand): 5'-ATGTGAGTTAGATAAAGAATGTTGATGAATTGCTGTTTCTAATGATTTTTGCTTTACTCA[T>C]AGGGGTCAAACCTTGGTCAAATATCATGGAAATCCTGGAGGAAAAAGATGGAGTTGATAC-3'

ClinVar aggregate classification (germline): Uncertain significance (1 of 4 stars; one submission).

Submission:

CeGaT Center for Human Genetics Tuebingen
Classification: Uncertain significance. Last evaluated: 2025-10-01. Review status: criteria provided, single submitter. Criteria: CeGaT Center For Human Genetics Tuebingen Variant Classification Criteria Version 2. Collection method: clinical testing. Allele origin: germline. Affected: yes. Observed: 1 variant allele.
Comment: FHOD3: PM2, BP4